The following is an entry in ClinVar:

NM_000350.3(ABCA4):c.3281C>G (p.Pro1094Arg)

Gene: ABCA4 (ATP binding cassette subfamily A member 4; minus strand). Cytogenetic location: 1p22.1.
Variant type: single nucleotide variant.
Coding change: c.3281C>G on transcript NM_000350.3 (MANE Select); coding-DNA position 3281, C replaced by G.
Protein change: p.Pro1094Arg; replaces proline 1094 with arginine.
Molecular consequence: missense variant.
Genome position (GRCh38, 1-based): chr1:94,042,808, G>C on the plus strand (C>G on the coding strand, the complement: ABCA4 is on the minus strand). VCF-style: chr1-94042808-G-C. GRCh37 (hg19) VCF-style: chr1-94508364-G-C.
Other names: c.3059C>G, p.Pro1020Arg (NM_001425324.1); short protein forms P1020R, P1094R.
Identifiers: ClinVar variation 2733930 (VCV002733930.3), dbSNP rs2101050573, ClinGen allele CA341292076.
Genomic context (GRCh38, chr1:94,042,808, plus strand): 5'-CAGCAGCTGTTACCTGAGCGATACTTCAGGAGCAGATCCCAGATTGAGCGTCTCGAGTAA[G>C]GGTCCACCCCAGAGGTGGGTTCGTCCAGAATCACCACCTTGGCATCTCCCACAAAGGCAA-3'
Protein context (NP_000341.2, residues 1084-1104): ILDEPTSGVD[Pro1094Arg]YSRRSIWDLL

ClinVar aggregate classification (germline): Pathogenic (1 of 4 stars; one submission).

Submission:

Labcorp Genetics (formerly Invitae), Labcorp
Classification: Pathogenic. Last evaluated: 2023-09-10. Review status: criteria provided, single submitter. Criteria: Invitae Variant Classification Sherloc (09022015). Collection method: clinical testing. Allele origin: germline.
Comment: This variant disrupts the p.Pro1094 amino acid residue in ABCA4. Other variant(s) that disrupt this residue have been determined to be pathogenic (PMID: 26780318; Invitae). This suggests that this residue is clinically significant, and that variants that disrupt this residue are likely to be disease-causing. For these reasons, this variant has been classified as Pathogenic. This sequence change replaces proline, which is neutral and non-polar, with arginine, which is basic and polar, at codon 1094 of the ABCA4 protein (p.Pro1094Arg). This variant is not present in population databases (gnomAD no frequency). This missense change has been observed in individual(s) with Stargardt disease (PMID: 23755871). Advanced modeling of protein sequence and biophysical properties (such as structural, functional, and spatial information, amino acid conservation, physicochemical variation, residue mobility, and thermodynamic stability) performed at Invitae indicates that this missense variant is expected to disrupt ABCA4 protein function.

Literature cited by the submitters: PubMed 26780318; PubMed 23755871.